The following is an entry in ClinVar:

NM_138927.4(SON):c.4504A>G (p.Met1502Val)

Gene: SON (SON DNA and RNA binding protein; plus strand). Cytogenetic location: 21q22.11.
Variant type: single nucleotide variant.
Coding change: c.4504A>G on transcript NM_138927.4 (MANE Select); coding-DNA position 4504, A replaced by G.
Protein change: p.Met1502Val; replaces methionine 1502 with valine.
Molecular consequence: missense variant. On other transcripts: non-coding transcript variant (1), intron variant (1).
Genome position (GRCh38, 1-based): chr21:33,553,735, A>G. VCF-style: chr21-33553735-A-G. GRCh37 (hg19) VCF-style: chr21-34926041-A-G.
Other names: c.4504A>G, p.Met1502Val (NM_001291411.2, NM_001412133.1, NM_032195.3 and 2 more transcripts); c.245-3421A>G (NM_001291412.3); short protein forms M1502V.
Identifiers: ClinVar variation 2969535 (VCV002969535.3), dbSNP rs374885357, ClinGen allele CA10009539.

ClinVar aggregate classification (germline): Uncertain significance (1 of 4 stars; one submission).

Allele frequency attached by ClinVar (database versions not stated): gnomAD exomes 0.00001; ExAC 0.00002; ESP Exome Variant Server 0.00008.

Submission:

Labcorp Genetics (formerly Invitae), Labcorp
Classification: Uncertain significance. Last evaluated: 2024-07-01. Review status: criteria provided, single submitter. Criteria: Invitae Variant Classification Sherloc (09022015). Collection method: clinical testing. Allele origin: germline.
Comment: This sequence change replaces methionine, which is neutral and non-polar, with valine, which is neutral and non-polar, at codon 1502 of the SON protein (p.Met1502Val). This variant is present in population databases (rs374885357, gnomAD 0.02%). This variant has not been reported in the literature in individuals affected with SON-related conditions. Algorithms developed to predict the effect of missense changes on protein structure and function output the following: SIFT: "Not Available"; PolyPhen-2: "Benign"; Align-GVGD: "Not Available". The valine amino acid residue is found in multiple mammalian species, which suggests that this missense change does not adversely affect protein function. In summary, the available evidence is currently insufficient to determine the role of this variant in disease. Therefore, it has been classified as a Variant of Uncertain Significance.